The following is an entry in ClinVar:

NM_004646.4(NPHS1):c.2496TGT[1] (p.Val834del)

Gene: NPHS1 (NPHS1 adhesion molecule, nephrin; minus strand). Cytogenetic location: 19q13.12.
Variant type: Microsatellite.
Coding change: c.2496TGT[1] on transcript NM_004646.4 (MANE Select); one copy of the 3-base unit TGT starting at c.2496; the reference has two copies in a row; one copy, 3 bases deleted; also written c.2499_2501del.
Protein change: p.Val834del; deletes valine 834.
Molecular consequence: inframe deletion.
Genome position (GRCh38, 1-based): chr19:35,842,384-35,842,386, ACA deleted on the plus strand (TGT on the coding strand, the reverse complement: NPHS1 is on the minus strand); deleting any 3 consecutive bases within chr19:35,842,384-35,842,390 gives the same sequence; the position shown is the placement nearest the transcript's 3' end. VCF-style (leftmost placement, unchanged base first): chr19-35842383-GACA-G. GRCh37 (hg19) VCF-style: chr19-36333285-GACA-G.
Other names: c.2499_2501del (NM_004646.4); short protein forms V834del.
Identifiers: ClinVar variation 4531719 (VCV004531719.1).

ClinVar aggregate classification (germline): Likely pathogenic (1 of 4 stars; one submission).

Conditions:
Finnish congenital nephrotic syndrome (NPHS1). Also called: NEPHROTIC SYNDROME, TYPE 1. Identifiers: Orphanet 839, MedGen C0403399, MONDO:0009732, OMIM 256300.

Submission:

Victorian Clinical Genetics Services, Murdoch Childrens Research Institute
Classification: Likely pathogenic for Finnish congenital nephrotic syndrome. Last evaluated: 2025-07-23. Review status: criteria provided, single submitter. Criteria: ACMG Guidelines, 2015. Collection method: clinical testing. Allele origin: germline. Affected: yes.
Comment: This variant is classified as Likely pathogenic. Evidence in support of pathogenic classification: In-frame insertion/deletion in a non-repetitive region that has high conservation; Variant is absent from gnomAD (v2, v3 and v4); A missense variant affecting the same residue comparable to the one identified in this case has limited previous evidence for pathogenicity. p.(Val834Phe) has been detected in individuals with congenital nephrotic syndrome and focal segmental glomerulosclerosis (PMIDs: 11317351, 29801666, 29474669). Additional information: This variant is heterozygous; This gene is associated with autosomal recessive disease; A missense at the same position has been observed in gnomAD (v3: 1 heterozygote, 0 homozygotes); This variant has no previous evidence of pathogenicity; No published segregation evidence has been identified for this variant; No published functional evidence has been identified for this variant; Variant is not located in an established domain, motif, hotspot or informative constraint region; Loss of function is a known mechanism of disease in this gene and is associated with Nephrotic syndrome, type 1 (MIM#256300).

Literature cited by the submitters: PubMed 29801666; PubMed 11317351; PubMed 29474669.